The following is an entry in ClinVar:

NM_001384732.1(CPLANE1):c.7543G>C (p.Glu2515Gln)

Gene: CPLANE1 (ciliogenesis and planar polarity effector complex subunit 1; minus strand). Cytogenetic location: 5p13.2.
Variant type: single nucleotide variant.
Coding change: c.7543G>C on transcript NM_001384732.1 (MANE Select); coding-DNA position 7543, G replaced by C.
Protein change: p.Glu2515Gln; replaces glutamic acid 2515 with glutamine.
Molecular consequence: missense variant.
Genome position (GRCh38, 1-based): chr5:37,164,318, C>G on the plus strand (G>C on the coding strand, the complement: CPLANE1 is on the minus strand). VCF-style: chr5-37164318-C-G. GRCh37 (hg19) VCF-style: chr5-37164420-C-G.
Other names: c.7543G>C, p.Glu2515Gln (NM_023073.4); short protein forms E2515Q.
Identifiers: ClinVar variation 1394262 (VCV001394262.6), dbSNP rs779976528, ClinGen allele CA3238029.

ClinVar aggregate classification (germline): Uncertain significance (1 of 4 stars; one submission).

Allele frequency attached by ClinVar (database versions not stated): gnomAD exomes 0.00001 and 0.00004; TOPMed 0.00002; ExAC 0.00004.
gnomAD v4.1: 12 of 1,612,480 alleles (0.00074%); highest among the groups gnomAD compares: East Asian, 0.022%; no homozygotes.

Submission:

Labcorp Genetics (formerly Invitae), Labcorp
Classification: Uncertain significance. Last evaluated: 2022-08-09. Review status: criteria provided, single submitter. Criteria: Invitae Variant Classification Sherloc (09022015). Collection method: clinical testing. Allele origin: germline.
Comment: In summary, the available evidence is currently insufficient to determine the role of this variant in disease. Therefore, it has been classified as a Variant of Uncertain Significance. Advanced modeling of protein sequence and biophysical properties (such as structural, functional, and spatial information, amino acid conservation, physicochemical variation, residue mobility, and thermodynamic stability) performed at Invitae indicates that this missense variant is not expected to disrupt CPLANE1 protein function. ClinVar contains an entry for this variant (Variation ID: 1394262). This variant has not been reported in the literature in individuals affected with CPLANE1-related conditions. This variant is present in population databases (rs779976528, gnomAD 0.05%). This sequence change replaces glutamic acid, which is acidic and polar, with glutamine, which is neutral and polar, at codon 2515 of the CPLANE1 protein (p.Glu2515Gln).